The following is an entry in ClinVar:

NC_000006.11:g.(?_80910641)_(80982948_?)dup

Gene: BCKDHB (branched chain keto acid dehydrogenase E1 subunit beta; plus strand). Cytogenetic location: 6q14.1.
Variant type: Duplication.
Identifiers: ClinVar variation 639388 (VCV000639388.6).

ClinVar aggregate classification (germline): Likely pathogenic (1 of 4 stars; one submission).

Conditions:
Maple syrup urine disease (MSUD). Identifiers: Orphanet 511, MedGen C0024776, MeSH D008375, MONDO:0009563. Disease mechanism: loss of function.

Submission:

Labcorp Genetics (formerly Invitae), Labcorp
Classification: Likely pathogenic for Maple syrup urine disease. Last evaluated: 2022-10-13. Review status: criteria provided, single submitter. Criteria: Invitae Variant Classification Sherloc (09022015). Collection method: clinical testing. Allele origin: germline.
Comment: This variant results in a copy number gain of the genomic region encompassing exon(s) 7-9 of the BCKDHB gene. While the exact position of this variant cannot be determined from the data, sub-genic copy number gains are generally in tandem (PMID: 25640679). This variant is predicted to be out-of-frame, and may result in an absent or disrupted protein product. Loss-of-function variants in BCKDHB are known to be pathogenic (PMID: 16786533, 22593002). This variant has not been reported in the literature in individuals affected with BCKDHB-related conditions. In summary, the currently available evidence indicates that the variant is pathogenic, but additional data are needed to prove that conclusively. Therefore, this variant has been classified as Likely Pathogenic.

Literature cited by the submitters: PubMed 25640679; PubMed 16786533; PubMed 22593002.